The following is an entry in ClinVar:

NM_001003800.2(BICD2):c.193G>A (p.Glu65Lys)

Gene: BICD2 (BICD cargo adaptor 2; minus strand). Cytogenetic location: 9q22.31.
Variant type: single nucleotide variant.
Coding change: c.193G>A on transcript NM_001003800.2 (MANE Select); coding-DNA position 193, G replaced by A.
Protein change: p.Glu65Lys; replaces glutamic acid 65 with lysine.
Molecular consequence: missense variant.
Genome position (GRCh38, 1-based): chr9:92,764,552, C>T on the plus strand (G>A on the coding strand, the complement: BICD2 is on the minus strand). VCF-style: chr9-92764552-C-T. GRCh37 (hg19) VCF-style: chr9-95526834-C-T.
Other names: c.193G>A, p.Glu65Lys (NM_015250.4); short protein forms E65K.
Identifiers: ClinVar variation 3684110 (VCV003684110.2).

ClinVar aggregate classification (germline): Uncertain significance (1 of 4 stars; one submission).

Conditions:
Autosomal dominant childhood-onset proximal spinal muscular atrophy with contractures (SMALED2A). Also called: Spinal muscular atrophy, lower extremity-predominant, 2A, autosomal dominant; SPINAL MUSCULAR ATROPHY, LOWER EXTREMITY-PREDOMINANT, 2A, CHILDHOOD ONSET, AUTOSOMAL DOMINANT. Identifiers: Orphanet 363447, Orphanet 363454, MedGen C4747715, MONDO:0014121, OMIM 615290.

Submission:

Labcorp Genetics (formerly Invitae), Labcorp
Classification: Uncertain significance for Autosomal dominant childhood-onset proximal spinal muscular atrophy with contractures. Last evaluated: 2024-02-15. Review status: criteria provided, single submitter. Criteria: Invitae Variant Classification Sherloc (09022015). Collection method: clinical testing. Allele origin: germline.
Comment: This sequence change replaces glutamic acid, which is acidic and polar, with lysine, which is basic and polar, at codon 65 of the BICD2 protein (p.Glu65Lys). This variant is not present in population databases (gnomAD no frequency). This variant has not been reported in the literature in individuals affected with BICD2-related conditions. Advanced modeling of protein sequence and biophysical properties (such as structural, functional, and spatial information, amino acid conservation, physicochemical variation, residue mobility, and thermodynamic stability) performed at Invitae indicates that this missense variant is expected to disrupt BICD2 protein function with a positive predictive value of 80%. In summary, the available evidence is currently insufficient to determine the role of this variant in disease. Therefore, it has been classified as a Variant of Uncertain Significance.